The following is an entry in ClinVar:

NM_032444.4(SLX4):c.4523C>G (p.Ser1508Trp)

Gene: SLX4 (SLX4 structure-specific endonuclease subunit; minus strand). Cytogenetic location: 16p13.3.
Variant type: single nucleotide variant.
Coding change: c.4523C>G on transcript NM_032444.4 (MANE Select); coding-DNA position 4523, C replaced by G.
Protein change: p.Ser1508Trp; replaces serine 1508 with tryptophan.
Molecular consequence: missense variant.
Genome position (GRCh38, 1-based): chr16:3,589,115, G>C on the plus strand (C>G on the coding strand, the complement: SLX4 is on the minus strand). VCF-style: chr16-3589115-G-C. GRCh37 (hg19) VCF-style: chr16-3639116-G-C.
Other names: short protein forms S1508W.
Identifiers: ClinVar variation 2167566 (VCV002167566.4), dbSNP rs112694849, ClinGen allele CA7865611.

ClinVar aggregate classification (germline): Uncertain significance (1 of 4 stars; one submission).

Conditions:
Fanconi anemia (FA). Also called: Fanconi's anemia. Identifiers: Orphanet 84, MedGen C0015625, MeSH D005199, MONDO:0019391.

Submission:

Labcorp Genetics (formerly Invitae), Labcorp
Classification: Uncertain significance for Fanconi anemia. Last evaluated: 2022-12-04. Review status: criteria provided, single submitter. Criteria: Invitae Variant Classification Sherloc (09022015). Collection method: clinical testing. Allele origin: germline.
Comment: This sequence change replaces serine, which is neutral and polar, with tryptophan, which is neutral and slightly polar, at codon 1508 of the SLX4 protein (p.Ser1508Trp). This variant is present in population databases (rs112694849, gnomAD 0.003%). This variant has not been reported in the literature in individuals affected with SLX4-related conditions. Algorithms developed to predict the effect of missense changes on protein structure and function are either unavailable or do not agree on the potential impact of this missense change (SIFT: "Deleterious"; PolyPhen-2: "Probably Damaging"; Align-GVGD: "Class C0"). In summary, the available evidence is currently insufficient to determine the role of this variant in disease. Therefore, it has been classified as a Variant of Uncertain Significance.